The following is an entry in ClinVar:

ClinVar aggregate classification (germline): Conflicting classifications of pathogenicity. Review status: criteria provided, conflicting classifications (1 of 4 stars). 4 submissions from 4 submitters: Pathogenic (3); Uncertain significance (1). Last evaluated 2023-06-21.

Conditions:
PKD1-related disorder. Also called: PKD1-related condition.
Polycystic kidney disease, adult type (PKD1). Also called: POLYCYSTIC KIDNEY DISEASE, ADULT, TYPE I; Polycystic Kidney, Autosomal Dominant; POLYCYSTIC KIDNEY DISEASE 1 WITH OR WITHOUT POLYCYSTIC LIVER DISEASE; Polycystic Kidney Disease 1, Autosomal Dominant; Polycystic kidney disease 1; Polycystic kidney disease 1, severe. Identifiers: MedGen C3149841, MONDO:0008263, OMIM 173900.

Submissions (4):

PreventionGenetics, part of Exact Sciences
Classification: Pathogenic for PKD1-related condition. Last evaluated: 2023-06-21. Review status: criteria provided, single submitter. Criteria: ACMG Guidelines, 2015. Collection method: clinical testing. Allele origin: germline.
Comment: The PKD1 c.11713-2A>G variant is predicted to disrupt the AG splice acceptor site and interfere with normal splicing. This variant has been reported to segregate with polycystic kidney disease in an affected father and child (Audrézet et al 2016. PubMed ID: 26139440). This variant has not been reported in a large population database, indicating it is rare. Variants that disrupt the consensus splice acceptor site in PKD1 are expected to be pathogenic. This variant is interpreted as pathogenic.

Department of Pathology and Laboratory Medicine, Sinai Health System
Classification: Pathogenic for Polycystic kidney disease, adult type. Last evaluated: 2020-02-14. Review status: criteria provided, single submitter. Criteria: ACMG Guidelines, 2015. Collection method: clinical testing. Allele origin: germline. Affected: yes.

Athena Diagnostics
Classification: Pathogenic. Last evaluated: 2016-08-12. Review status: criteria provided, single submitter. Criteria: Athena Diagnostics Criteria. Collection method: clinical testing. Allele origin: germline.

Juno Genomics, Hangzhou Juno Genomics, Inc
Classification: Uncertain significance for Polycystic kidney disease, adult type. Review status: criteria provided, single submitter. Criteria: ACMG Guidelines, 2015. Collection method: clinical testing. Allele origin: germline. Affected: yes.
Comment: Absent from controls (or at extremely low frequency if recessive) in Genome Aggregation Database.;Null variant in a gene where loss of function (LOF) is a known mechanism of disease.;The prevalence of the variant in affected individuals is significantly increased compared to the prevalence in controls.;Patient's phenotype or family history is highly specific for a disease with a single genetic etiology.

Literature cited by the submitters: PubMed 26139440 (cited by Department of Pathology and Laboratory Medicine, Sinai Health System).

NM_001009944.3(PKD1):c.11713-2A>G

Gene: PKD1 (polycystin 1, transient receptor potential channel interacting; minus strand). Cytogenetic location: 16p13.3.
Variant type: single nucleotide variant.
Coding change: c.11713-2A>G on transcript NM_001009944.3 (MANE Select); the canonical splice acceptor site of the intron before coding-DNA position 11713, A replaced by G.
Molecular consequence: splice acceptor variant.
Genome position (GRCh38, 1-based): chr16:2,091,176, T>C on the plus strand (A>G on the coding strand, the complement: PKD1 is on the minus strand). VCF-style: chr16-2091176-T-C. GRCh37 (hg19) VCF-style: chr16-2141177-T-C.
Other names: c.11710-2A>G (NM_000296.4); c.11713-2A>G (NM_001009944.2).
Identifiers: ClinVar variation 447955 (VCV000447955.4), dbSNP rs1555445274, ClinGen allele CA394330372.